The following is an entry in ClinVar:

ClinVar aggregate classification (germline): Uncertain significance (1 of 4 stars; one submission).

Allele frequency attached by ClinVar (database versions not stated): gnomAD exomes below 0.00001; ExAC 0.00001; gnomAD 0.00001; TOPMed 0.00001.

Submission:

Labcorp Genetics (formerly Invitae), Labcorp
Classification: Uncertain significance. Last evaluated: 2022-07-24. Review status: criteria provided, single submitter. Criteria: Invitae Variant Classification Sherloc (09022015). Collection method: clinical testing. Allele origin: germline.
Comment: This sequence change falls in intron 32 of the CAD gene. It does not directly change the encoded amino acid sequence of the CAD protein. It affects a nucleotide within the consensus splice site. This variant is present in population databases (rs753815319, gnomAD 0.007%). This variant has not been reported in the literature in individuals affected with CAD-related conditions. ClinVar contains an entry for this variant (Variation ID: 1376068). Variants that disrupt the consensus splice site are a relatively common cause of aberrant splicing (PMID: 17576681, 9536098). Algorithms developed to predict the effect of sequence changes on RNA splicing suggest that this variant is not likely to affect RNA splicing. In summary, the available evidence is currently insufficient to determine the role of this variant in disease. Therefore, it has been classified as a Variant of Uncertain Significance.

Literature cited by the submitters: PubMed 17576681; PubMed 9536098.

NM_004341.5(CAD):c.5254-3C>T

Gene: CAD (carbamoyl-phosphate synthetase 2, aspartate transcarbamylase, and dihydroorotase; plus strand). Cytogenetic location: 2p23.3.
Variant type: single nucleotide variant.
Coding change: c.5254-3C>T on transcript NM_004341.5 (MANE Select); 3 bases into the intron before coding-DNA position 5254, C replaced by T.
Molecular consequence: intron variant.
Genome position (GRCh38, 1-based): chr2:27,239,328, C>T. VCF-style: chr2-27239328-C-T. GRCh37 (hg19) VCF-style: chr2-27462196-C-T.
Other names: c.5065-3C>T (NM_001306079.2).
Identifiers: ClinVar variation 1376068 (VCV001376068.3), dbSNP rs753815319, ClinGen allele CA1573801.